The following is an entry in ClinVar:

NM_000059.4(BRCA2):c.4678A>G (p.Ser1560Gly)

Gene: BRCA2 (BRCA2 DNA repair associated; plus strand). Cytogenetic location: 13q13.1.
Variant type: single nucleotide variant.
Coding change: c.4678A>G on transcript NM_000059.4 (MANE Select); coding-DNA position 4678, A replaced by G.
Protein change: p.Ser1560Gly; replaces serine 1560 with glycine.
Molecular consequence: missense variant.
Genome position (GRCh38, 1-based): chr13:32,339,033, A>G. VCF-style: chr13-32339033-A-G. GRCh37 (hg19) VCF-style: chr13-32913170-A-G.
Other names: short protein forms S1560G.
Identifiers: ClinVar variation 631300 (VCV000631300.6), dbSNP rs1566230938, ClinGen allele CA387782807.

ClinVar aggregate classification (germline): Conflicting classifications of pathogenicity. Review status: criteria provided, conflicting classifications (1 of 4 stars). 2 submissions from 2 submitters: Uncertain significance (1); Likely benign (1). Last evaluated 2023-03-23.

Conditions:
Hereditary cancer-predisposing syndrome. Also called: Tumor predisposition; Neoplastic Syndromes, Hereditary; Hereditary neoplastic syndrome; Hereditary Cancer Syndrome. Identifiers: Orphanet 140162, MedGen C0027672, MeSH D009386, MONDO:0015356.

Submissions (2):

University of Washington Department of Laboratory Medicine, University of Washington
Classification: Likely benign for Hereditary cancer-predisposing syndrome. Last evaluated: 2023-03-23. Review status: criteria provided, single submitter. Criteria: Dines et al. (Genet Med. 2020). Collection method: curation. Allele origin: germline.
Comment: Missense variant in a coldspot region where missense variants are very unlikely to be pathogenic (PMID:31911673).

BRCA2 exon 11 coldspot. Reclassification based on statistical prior probability.

Color Diagnostics, LLC DBA Color Health
Classification: Uncertain significance for Hereditary cancer-predisposing syndrome. Last evaluated: 2021-08-05. Review status: criteria provided, single submitter. Criteria: ACMG Guidelines, 2015. Collection method: clinical testing. Allele origin: germline.
Comment: This missense variant replaces serine with glycine at codon 1560 of the BRCA2 protein. Computational prediction suggests that this variant may not impact protein structure and function (internally defined REVEL score threshold <= 0.5, PMID: 27666373). To our knowledge, functional studies have not been reported for this variant. This variant has not been reported in individuals affected with hereditary cancer in the literature. This variant has not been identified in the general population by the Genome Aggregation Database (gnomAD). The available evidence is insufficient to determine the role of this variant in disease conclusively. Therefore, this variant is classified as a Variant of Uncertain Significance.